The following is an entry in ClinVar:

ClinVar aggregate classification (germline): Conflicting classifications of pathogenicity. Review status: criteria provided, conflicting classifications (1 of 4 stars). 3 submissions from 3 submitters: Uncertain significance (1); Benign (1); Likely benign (1). Last evaluated 2026-01-26.

Conditions:
Combined immunodeficiency due to LRBA deficiency. Also called: Common variable immunodeficiency 8, with autoimmunity. Identifiers: Orphanet 445018, MedGen C3553512, MONDO:0013863, OMIM 614700.

Allele frequency attached by ClinVar (database versions not stated): 1000 Genomes Project 30x 0.00125; 1000 Genomes Project 0.00140; TOPMed 0.00243; gnomAD 0.00274; gnomAD exomes 0.00274 and 0.00395; ExAC 0.00281; ESP Exome Variant Server 0.00308.
gnomAD v4.1: 5,534 of 1,453,646 alleles (0.38%); highest among the groups gnomAD compares: Non-Finnish European, 0.47%; 10 homozygotes.

Submissions (7):

Labcorp Genetics (formerly Invitae), Labcorp
Classification: Benign for Combined immunodeficiency due to LRBA deficiency. Last evaluated: 2026-01-26. Review status: criteria provided, single submitter. Criteria: Invitae Variant Classification Sherloc (09022015). Collection method: clinical testing. Allele origin: germline.

Blueprint Genetics
Classification: Likely benign. Last evaluated: 2024-11-26. Review status: criteria provided, single submitter. Criteria: ACMG Guidelines, 2015. Collection method: clinical testing. Allele origin: germline.

ARUP Laboratories, Molecular Genetics and Genomics, ARUP Laboratories
Classification: Uncertain significance for Combined immunodeficiency due to LRBA deficiency. Last evaluated: 2023-10-03. Review status: criteria provided, single submitter. Criteria: ARUP Molecular Germline Variant Investigation Process 2024. Collection method: clinical testing. Allele origin: germline.
Comment: The LRBA c.6481+17A>G variant (rs183652080), to our knowledge, is not reported in the medical literature or gene specific databases. This variant is found in the general population with an overall allele frequency of 0.27% (765/ 278716 alleles, including 3 homozygotes) in the Genome Aggregation Database. This is an intronic variant in a weakly conserved nucleotide, but computational analyses (Alamut v.2.11) predict that this variant may impact splicing by creating a novel cryptic donor splice site. However, without functional studies the effect on splicing is unknown. While the population frequency suggests that this variant may be a benign polymorphism, without clinical and functional data, the significance of the c.6481+17A>G variant is uncertain at this time.

Dr. Peter K. Rogan Lab, Western University
No classification provided (evidence only). Condition: Cervical cancer. Review status: no classification provided. Collection method: in vitro. Allele origin: not applicable. Functional consequence: retained intron. Not counted in ClinVar's aggregate classification.

Dr. Peter K. Rogan Lab, Western University
No classification provided (evidence only). Condition: Cholangiocarcinoma. Review status: no classification provided. Collection method: in vitro. Allele origin: not applicable. Functional consequence: retained intron. Not counted in ClinVar's aggregate classification.

Dr. Peter K. Rogan Lab, Western University
No classification provided (evidence only). Condition: Ovarian serous cystadenocarcinoma. Review status: no classification provided. Collection method: in vitro. Allele origin: not applicable. Functional consequence: retained intron. Not counted in ClinVar's aggregate classification.

Dr. Peter K. Rogan Lab, Western University
No classification provided (evidence only). Condition: Ovarian serous cystadenocarcinoma. Review status: no classification provided. Collection method: in vitro. Allele origin: not applicable. Functional consequence: retained intron. Not counted in ClinVar's aggregate classification.

NM_001364905.1(LRBA):c.6448+17A>G

Gene: LRBA (LPS responsive beige-like anchor protein; minus strand). Cytogenetic location: 4q31.3.
Variant type: single nucleotide variant.
Coding change: c.6448+17A>G on transcript NM_001364905.1 (MANE Select); 17 bases into the intron after coding-DNA position 6448, A replaced by G.
Molecular consequence: intron variant.
Genome position (GRCh38, 1-based): chr4:150,490,901, T>C on the plus strand (A>G on the coding strand, the complement: LRBA is on the minus strand). VCF-style: chr4-150490901-T-C. GRCh37 (hg19) VCF-style: chr4-151412053-T-C.
Other names: c.6448+17A>G (NM_001367550.1, NM_001199282.3, NM_001440431.1); c.6481+17A>G (NM_006726.5, NM_001440430.1); c.151+17A>G (NM_001440432.1); c.145+17A>G (NM_001440433.1).
Identifiers: ClinVar variation 993344 (VCV000993344.21), dbSNP rs183652080, ClinGen allele CA3101939.